The following is an entry in ClinVar:

ClinVar aggregate classification (germline): Uncertain significance (1 of 4 stars; one submission).

Allele frequency attached by ClinVar (database versions not stated): ESP Exome Variant Server 0.00008.

Submission:

Labcorp Genetics (formerly Invitae), Labcorp
Classification: Uncertain significance. Last evaluated: 2022-07-21. Review status: criteria provided, single submitter. Criteria: Invitae Variant Classification Sherloc (09022015). Collection method: clinical testing. Allele origin: germline.
Comment: In summary, the available evidence is currently insufficient to determine the role of this variant in disease. Therefore, it has been classified as a Variant of Uncertain Significance. Advanced modeling of protein sequence and biophysical properties (such as structural, functional, and spatial information, amino acid conservation, physicochemical variation, residue mobility, and thermodynamic stability) performed at Invitae indicates that this missense variant is not expected to disrupt LRP2 protein function. This variant has not been reported in the literature in individuals affected with LRP2-related conditions. This variant is not present in population databases (gnomAD no frequency). This sequence change replaces glutamine, which is neutral and polar, with arginine, which is basic and polar, at codon 3550 of the LRP2 protein (p.Gln3550Arg).

NM_004525.3(LRP2):c.10649A>G (p.Gln3550Arg)

Gene: LRP2 (LDL receptor related protein 2; minus strand). Cytogenetic location: 2q31.1.
Variant type: single nucleotide variant.
Coding change: c.10649A>G on transcript NM_004525.3 (MANE Select); coding-DNA position 10649, A replaced by G.
Protein change: p.Gln3550Arg; replaces glutamine 3550 with arginine.
Molecular consequence: missense variant.
Genome position (GRCh38, 1-based): chr2:169,175,312, T>C on the plus strand (A>G on the coding strand, the complement: LRP2 is on the minus strand). VCF-style: chr2-169175312-T-C. GRCh37 (hg19) VCF-style: chr2-170031822-T-C.
Other names: short protein forms Q3550R.
Identifiers: ClinVar variation 2013129 (VCV002013129.4), dbSNP rs140920437, ClinGen allele CA59914707.
Genomic context (GRCh38, chr2:169,175,312, plus strand): 5'-GTCTGCGGGCTGGTGCAGTTGCCGTCACTGCACTGGAACTGTCCCAGTCGGCAGAAGCGC[T>C]GCGGGCAAAGGGCCAGTTCATCAGAGCCATCTGAGCAGTCTTTCTGTCCATCACATTTCC-3'
Protein context (NP_004516.2, residues 3540-3560): DGSDELALCP[Gln3550Arg]RFCRLGQFQC